The following is an entry in ClinVar:

NM_001330078.2(NRXN1):c.4295G>A (p.Gly1432Asp)

Gene: NRXN1 (neurexin 1; minus strand). Cytogenetic location: 2p16.3.
Variant type: single nucleotide variant.
Coding change: c.4295G>A on transcript NM_001330078.2 (MANE Select); coding-DNA position 4295, G replaced by A.
Protein change: p.Gly1432Asp; replaces glycine 1432 with aspartic acid.
Molecular consequence: missense variant.
Genome position (GRCh38, 1-based): chr2:49,922,173, C>T on the plus strand (G>A on the coding strand, the complement: NRXN1 is on the minus strand). VCF-style: chr2-49922173-C-T. GRCh37 (hg19) VCF-style: chr2-50149311-C-T.
Other names: c.4415G>A, p.Gly1472Asp (NM_001135659.3); c.200G>A, p.Gly67Asp (NM_001320156.4); c.191G>A, p.Gly64Asp (NM_001320157.4); c.4271G>A, p.Gly1424Asp (NM_001330077.2); c.4262G>A, p.Gly1421Asp (NM_001330082.2); c.4130G>A, p.Gly1377Asp (NM_001330083.2); c.4229G>A, p.Gly1410Asp (NM_001330084.2); c.4268G>A, p.Gly1423Asp (NM_001330085.2); and 12 more; short protein forms G1365D, G1377D, G1385D, G64D, G1372D, G1410D, G1421D, G1425D.
Identifiers: ClinVar variation 2040369 (VCV002040369.4), dbSNP rs199514539, ClinGen allele CA1654229.

ClinVar aggregate classification (germline): Uncertain significance (1 of 4 stars; one submission).

Conditions:
Pitt-Hopkins-like syndrome 2 (PTHSL2). Identifiers: Orphanet 221150, Orphanet 600663, MedGen C3280479, MONDO:0013690, OMIM 614325.

Allele frequency attached by ClinVar (database versions not stated): gnomAD exomes below 0.00001; TOPMed below 0.00001; gnomAD 0.00001; 1000 Genomes Project 0.00020; 1000 Genomes Project 30x 0.00031.
gnomAD v4.1: 3 of 1,614,128 alleles (0.00019%); highest among the groups gnomAD compares: Admixed American, 0.0017%; no homozygotes.

Submission:

Labcorp Genetics (formerly Invitae), Labcorp
Classification: Uncertain significance for Pitt-Hopkins-like syndrome 2. Last evaluated: 2022-07-19. Review status: criteria provided, single submitter. Criteria: Invitae Variant Classification Sherloc (09022015). Collection method: clinical testing. Allele origin: germline.
Comment: Algorithms developed to predict the effect of missense changes on protein structure and function are either unavailable or do not agree on the potential impact of this missense change (SIFT: "Deleterious"; PolyPhen-2: "Probably Damaging"; Align-GVGD: "Class C0"). This variant has not been reported in the literature in individuals affected with NRXN1-related conditions. This variant is present in population databases (rs199514539, gnomAD 0.02%). This sequence change replaces glycine, which is neutral and non-polar, with aspartic acid, which is acidic and polar, at codon 1472 of the NRXN1 protein (p.Gly1472Asp). In summary, the available evidence is currently insufficient to determine the role of this variant in disease. Therefore, it has been classified as a Variant of Uncertain Significance.